The following is an entry in ClinVar:

ClinVar aggregate classification (germline): Uncertain significance. Review status: criteria provided, multiple submitters, no conflicts (2 of 4 stars). 2 submissions from 2 submitters: Uncertain significance (2). Last evaluated 2025-10-23.

Conditions:
Cardiovascular phenotype. Identifiers: MedGen CN230736.

Submissions (2):

Ambry Genetics
Classification: Uncertain significance for Cardiovascular phenotype. Last evaluated: 2025-10-23. Review status: criteria provided, single submitter. Criteria: Ambry Variant Classification Scheme 2023. Collection method: clinical testing. Allele origin: germline.
Comment: The p.P1565A variant (also known as c.4693C>G), located in coding exon 8 of the ALPK3 gene, results from a C to G substitution at nucleotide position 4693. The proline at codon 1565 is replaced by alanine, an amino acid with highly similar properties. This amino acid position is conserved. In addition, this alteration is predicted to be tolerated by in silico analysis. Based on the available evidence, the clinical significance of this variant remains unclear.

Labcorp Genetics (formerly Invitae), Labcorp
Classification: Uncertain significance. Last evaluated: 2023-02-22. Review status: criteria provided, single submitter. Criteria: Invitae Variant Classification Sherloc (09022015). Collection method: clinical testing. Allele origin: germline.
Comment: In summary, the available evidence is currently insufficient to determine the role of this variant in disease. Therefore, it has been classified as a Variant of Uncertain Significance. This variant has not been reported in the literature in individuals affected with ALPK3-related conditions. An algorithm developed to predict the effect of missense changes on protein structure and function (PolyPhen-2) suggests that this variant is likely to be tolerated. This variant is not present in population databases (gnomAD no frequency). This sequence change replaces proline, which is neutral and non-polar, with alanine, which is neutral and non-polar, at codon 1565 of the ALPK3 protein (p.Pro1565Ala).

NM_020778.5(ALPK3):c.4087C>G (p.Pro1363Ala)

Gene: ALPK3 (alpha kinase 3; plus strand). Cytogenetic location: 15q25.3.
Variant type: single nucleotide variant.
Coding change: c.4087C>G on transcript NM_020778.5 (MANE Select); coding-DNA position 4087, C replaced by G.
Protein change: p.Pro1363Ala; replaces proline 1363 with alanine.
Molecular consequence: missense variant.
Genome position (GRCh38, 1-based): chr15:84,859,897, C>G. VCF-style: chr15-84859897-C-G. GRCh37 (hg19) VCF-style: chr15-85403128-C-G.
Other names: c.4693C>G (NM_020778.4); short protein forms P1363A.
Identifiers: ClinVar variation 2995736 (VCV002995736.4), dbSNP rs2505724965, ClinGen allele CA393362084.